The following is an entry in ClinVar:

ClinVar aggregate classification (germline): Uncertain significance. Review status: criteria provided, multiple submitters, no conflicts (2 of 4 stars). 2 submissions from 2 submitters: Uncertain significance (2). Last evaluated 2024-05-10.

Conditions:
Hereditary cancer-predisposing syndrome. Also called: Neoplastic Syndromes, Hereditary; Tumor predisposition; Hereditary neoplastic syndrome; Hereditary Cancer Syndrome. Identifiers: Orphanet 140162, MedGen C0027672, MeSH D009386, MONDO:0015356.
Melanoma, cutaneous malignant, susceptibility to, 1 (CMM1). Also called: FAMILIAL ATYPICAL MOLE-MALIGNANT MELANOMA SYNDROME; B-K MOLE SYNDROME; MELANOMA, MALIGNANT; DYSPLASTIC NEVUS SYNDROME, HEREDITARY. Identifiers: Orphanet 618, MedGen C1835047, MONDO:0007963, OMIM 155600.

Submissions (2):

Ambry Genetics
Classification: Uncertain significance for Hereditary cancer-predisposing syndrome. Last evaluated: 2024-05-10. Review status: criteria provided, single submitter. Criteria: Ambry Variant Classification Scheme 2023. Collection method: clinical testing. Allele origin: germline.
Comment: The p.D115A variant (also known as c.344A>C), located in coding exon 2 of the STK11 gene, results from an A to C substitution at nucleotide position 344. The aspartic acid at codon 115 is replaced by alanine, an amino acid with dissimilar properties. This amino acid position is conserved. In addition, this alteration is predicted to be deleterious by in silico analysis. Based on the available evidence, the clinical significance of this variant remains unclear.

Baylor Genetics
Classification: Uncertain significance for Melanoma, cutaneous malignant, susceptibility to, 1. Last evaluated: 2024-03-29. Review status: criteria provided, single submitter. Criteria: ACMG Guidelines, 2015. Collection method: clinical testing. Allele origin: unknown.

NM_000455.5(STK11):c.344A>C (p.Asp115Ala)

Gene: STK11 (serine/threonine kinase 11; plus strand). Cytogenetic location: 19p13.3.
Variant type: single nucleotide variant.
Coding change: c.344A>C on transcript NM_000455.5 (MANE Select); coding-DNA position 344, A replaced by C.
Protein change: p.Asp115Ala; replaces aspartic acid 115 with alanine.
Molecular consequence: missense variant. On other transcripts: non-coding transcript variant (1).
Genome position (GRCh38, 1-based): chr19:1,218,470, A>C. VCF-style: chr19-1218470-A-C. GRCh37 (hg19) VCF-style: chr19-1218469-A-C.
Other names: c.344A>C, p.Asp115Ala (NM_001407255.1); short protein forms D115A.
Identifiers: ClinVar variation 3240545 (VCV003240545.2), dbSNP rs2145420736.